The following is an entry in ClinVar:

ClinVar aggregate classification (germline): Uncertain significance (1 of 4 stars; one submission).

Conditions:
LAMA2-related muscular dystrophy (LAMA2-RD). Also called: Laminin alpha 2-related dystrophy. Identifiers: MedGen C5679788, MONDO:0100228.

Allele frequency attached by ClinVar (database versions not stated): gnomAD exomes below 0.00001; gnomAD 0.00001; TOPMed 0.00002.
gnomAD v4.1: 3 of 1,614,070 alleles (0.00019%); highest among the groups gnomAD compares: East Asian, 0.0022%; no homozygotes.

Submission:

Labcorp Genetics (formerly Invitae), Labcorp
Classification: Uncertain significance for LAMA2-related muscular dystrophy. Last evaluated: 2022-03-12. Review status: criteria provided, single submitter. Criteria: Invitae Variant Classification Sherloc (09022015). Collection method: clinical testing. Allele origin: germline.
Comment: This sequence change replaces alanine, which is neutral and non-polar, with serine, which is neutral and polar, at codon 2938 of the LAMA2 protein (p.Ala2938Ser). This variant is not present in population databases (gnomAD no frequency). This variant has not been reported in the literature in individuals affected with LAMA2-related conditions. Advanced modeling of protein sequence and biophysical properties (such as structural, functional, and spatial information, amino acid conservation, physicochemical variation, residue mobility, and thermodynamic stability) performed at Invitae indicates that this missense variant is not expected to disrupt LAMA2 protein function. In summary, the available evidence is currently insufficient to determine the role of this variant in disease. Therefore, it has been classified as a Variant of Uncertain Significance.

NM_000426.4(LAMA2):c.8812G>T (p.Ala2938Ser)

Gene: LAMA2 (laminin subunit alpha 2; plus strand). Cytogenetic location: 6q22.33.
Variant type: single nucleotide variant.
Coding change: c.8812G>T on transcript NM_000426.4 (MANE Select); coding-DNA position 8812, G replaced by T.
Protein change: p.Ala2938Ser; replaces alanine 2938 with serine.
Molecular consequence: missense variant.
Genome position (GRCh38, 1-based): chr6:129,507,597, G>T. VCF-style: chr6-129507597-G-T. GRCh37 (hg19) VCF-style: chr6-129828742-G-T.
Other names: c.8800G>T, p.Ala2934Ser (NM_001079823.2); short protein forms A2938S, A2934S.
Identifiers: ClinVar variation 1982428 (VCV001982428.1), dbSNP rs1221480745, ClinGen allele CA365635668.